The following is an entry in ClinVar:

NM_004260.4(RECQL4):c.292C>T (p.Arg98Cys)

Gene: RECQL4 (RecQ like helicase 4; minus strand). Cytogenetic location: 8q24.3.
Variant type: single nucleotide variant.
Coding change: c.292C>T on transcript NM_004260.4 (MANE Select); coding-DNA position 292, C replaced by T.
Protein change: p.Arg98Cys; replaces arginine 98 with cysteine.
Molecular consequence: missense variant.
Genome position (GRCh38, 1-based): chr8:144,517,112, G>A on the plus strand (C>T on the coding strand, the complement: RECQL4 is on the minus strand). VCF-style: chr8-144517112-G-A. GRCh37 (hg19) VCF-style: chr8-145742496-G-A.
Other names: short protein forms R98C.
Identifiers: ClinVar variation 1052813 (VCV001052813.3), dbSNP rs2130735434, ClinGen allele CA372692120.

ClinVar aggregate classification (germline): Uncertain significance (1 of 4 stars; one submission).

Conditions:
Baller-Gerold syndrome (BGS). Also called: CRANIOSYNOSTOSIS WITH RADIAL DEFECTS. Identifiers: Orphanet 1225, MedGen C0265308, MONDO:0009039, OMIM 218600.

Submission:

Labcorp Genetics (formerly Invitae), Labcorp
Classification: Uncertain significance for Baller-Gerold syndrome. Last evaluated: 2020-08-22. Review status: criteria provided, single submitter. Criteria: Invitae Variant Classification Sherloc (09022015). Collection method: clinical testing. Allele origin: germline.
Comment: In summary, the available evidence is currently insufficient to determine the role of this variant in disease. Therefore, it has been classified as a Variant of Uncertain Significance. Experimental studies and prediction algorithms are not available or were not evaluated, and the functional significance of this variant is currently unknown. This variant has not been reported in the literature in individuals with RECQL4-related conditions. This variant is not present in population databases (ExAC no frequency). This sequence change replaces arginine with cysteine at codon 98 of the RECQL4 protein (p.Arg98Cys). The arginine residue is weakly conserved and there is a large physicochemical difference between arginine and cysteine.